The following is an entry in ClinVar:

ClinVar aggregate classification (germline): Uncertain significance (1 of 4 stars; one submission).

Submission:

GeneDx
Classification: Uncertain significance. Last evaluated: 2023-06-29. Review status: criteria provided, single submitter. Criteria: GeneDx Variant Classification Process June 2021. Collection method: clinical testing. Allele origin: germline. Affected: yes.
Comment: Has not been previously published as pathogenic or benign to our knowledge; Not observed at significant frequency in large population cohorts (gnomAD); Canonical splice site variant in a gene or region of a gene for which loss of function is not a well-established mechanism of disease

NM_006258.4(PRKG1):c.935+2T>C

Gene: PRKG1 (protein kinase cGMP-dependent 1; plus strand). Cytogenetic location: 10q21.1.
Variant type: single nucleotide variant.
Coding change: c.935+2T>C on transcript NM_006258.4 (MANE Select); the canonical splice donor site of the intron after coding-DNA position 935, T replaced by C.
Molecular consequence: splice donor variant. On other transcripts: stop lost (1).
Genome position (GRCh38, 1-based): chr10:52,062,633, T>C. VCF-style: chr10-52062633-T-C. GRCh37 (hg19) VCF-style: chr10-53822393-T-C.
Other names: c.937T>C, p.Ter313Gln (NM_001374782.1); c.890+2T>C (NM_001098512.3); c.-275+2T>C (NM_001374781.1).
Identifiers: ClinVar variation 3360526 (VCV003360526.1).